The following is an entry in ClinVar:

ClinVar aggregate classification (germline): Pathogenic (1 of 4 stars; one submission).

Conditions:
Hereditary cancer-predisposing syndrome. Also called: Neoplastic Syndromes, Hereditary; Tumor predisposition; Hereditary Cancer Syndrome; Hereditary neoplastic syndrome. Identifiers: Orphanet 140162, MedGen C0027672, MeSH D009386, MONDO:0015356.

Submission:

Color Diagnostics, LLC DBA Color Health
Classification: Pathogenic for Hereditary cancer-predisposing syndrome. Last evaluated: 2020-03-16. Review status: criteria provided, single submitter. Criteria: ACMG Guidelines, 2015. Collection method: clinical testing. Allele origin: germline.
Comment: This variant inserts 2 nucleotides in exon 2 of the BRCA1 gene, creating a frameshift and premature translation stop signal. This variant is expected to result in an absent or non-functional protein product. To our knowledge, this variant has not been reported in individuals affected with hereditary cancer in the literature. This variant has not been identified in the general population by the Genome Aggregation Database (gnomAD). Loss of BRCA1 function is a known mechanism of disease. Based on the available evidence, this variant is classified as Pathogenic.

NM_007294.4(BRCA1):c.66_67insTC (p.Glu23fs)

Gene: BRCA1 (BRCA1 DNA repair associated; minus strand). Cytogenetic location: 17q21.31.
Variant type: Insertion.
Coding change: c.66_67insTC on transcript NM_007294.4 (MANE Select); coding-DNA positions 66 to 67, TC inserted.
Protein change: p.Glu23fs; shifts the reading frame from glutamic acid 23.
Molecular consequence: frameshift variant. On other transcripts: 5 prime UTR variant (1), non-coding transcript variant (1).
Genome position: GRCh38 VCF-style: chr17-43124030-C-CGA. GRCh37 (hg19) VCF-style: chr17-41276047-C-CGA.
Other names: c.66_67insTC, p.Glu23Serfs (NM_001407680.1, NM_001407681.1, NM_001407684.1 and 191 more transcripts); c.-123_-122insTC (NM_001407571.1, NM_001407853.1, NM_001407879.1 and 46 more transcripts); c.-192_-191insTC (NM_001407694.1, NM_001407724.1, NM_001407727.1 and 11 more transcripts); c.-196_-195insTC (NM_001407695.1, NM_001408465.1); c.-337_-336insTC (NM_001407696.1); c.-221_-220insTC (NM_001407697.1, NM_001407846.1, NM_001407920.1); c.-22_-21insTC (NM_001407698.1, NM_001407732.1, NM_001407736.1 and 23 more transcripts); c.-195_-194insTC (NM_001407725.1, NM_001407730.1, NM_001407734.1 and 22 more transcripts); and 9 more; short protein forms E23fs.
Identifiers: ClinVar variation 920945 (VCV000920945.4), dbSNP rs1555600909, ClinGen allele CA1139665591.